The following is an entry in ClinVar:

ClinVar aggregate classification (germline): Pathogenic (1 of 4 stars; one submission).

Conditions:
Autoimmune lymphoproliferative syndrome type 1. Also called: AUTOIMMUNE LYMPHOPROLIFERATIVE SYNDROME, TYPE I, AUTOSOMAL DOMINANT. Identifiers: Orphanet 3261, MedGen C2717884, MONDO:0011158, OMIM 601859.

Submission:

Labcorp Genetics (formerly Invitae), Labcorp
Classification: Pathogenic for Autoimmune lymphoproliferative syndrome. Last evaluated: 2022-08-13. Review status: criteria provided, single submitter. Criteria: Invitae Variant Classification Sherloc (09022015). Collection method: clinical testing. Allele origin: germline.
Comment: For these reasons, this variant has been classified as Pathogenic. This variant disrupts a region of the FAS protein in which other variant(s) (p.L294*) have been determined to be pathogenic (PMID: 2149015, 10090885, 23407489). This suggests that this is a clinically significant region of the protein, and that variants that disrupt it are likely to be disease-causing. ClinVar contains an entry for this variant (Variation ID: 1373595). This variant has not been reported in the literature in individuals affected with FAS-related conditions. This variant is not present in population databases (gnomAD no frequency). This sequence change creates a premature translational stop signal (p.Ile236Metfs*11) in the FAS gene. While this is not anticipated to result in nonsense mediated decay, it is expected to disrupt the last 100 amino acid(s) of the FAS protein.

Literature cited by the submitters: PubMed 2149015; PubMed 10090885; PubMed 23407489.

NM_000043.6(FAS):c.707_708insG (p.Ile236fs)

Gene: FAS (Fas cell surface death receptor; plus strand). Cytogenetic location: 10q23.31.
Variant type: Insertion.
Coding change: c.707_708insG on transcript NM_000043.6 (MANE Select); coding-DNA positions 707 to 708, G inserted.
Protein change: p.Ile236fs; shifts the reading frame from isoleucine 236.
Molecular consequence: frameshift variant. On other transcripts: 3 prime UTR variant (2), non-coding transcript variant (7).
Genome position: GRCh38 VCF-style: chr10-89014149-T-TG. GRCh37 (hg19) VCF-style: chr10-90773906-T-TG.
Other names: c.*30_*31insG (NM_001320619.2); c.644_645insG, p.Ile215fs (NM_152871.4); c.*19_*20insG (NM_152872.4); short protein forms I215fs, I236fs.
Identifiers: ClinVar variation 1373595 (VCV001373595.8), dbSNP rs2119445224, ClinGen allele CA2573145874.